The following is an entry in ClinVar:

ClinVar aggregate classification (germline): Uncertain significance (1 of 4 stars; one submission).

Allele frequency attached by ClinVar (database versions not stated): gnomAD exomes below 0.00001.
gnomAD v4.1: 1 of 398,308 alleles (0.00025%); highest among the groups gnomAD compares: Non-Finnish European, 0.00044%; no homozygotes.

Submission:

GeneDx
Classification: Uncertain significance. Last evaluated: 2015-08-28. Review status: criteria provided, single submitter. Criteria: GeneDx Variant Classification (06012015). Collection method: clinical testing. Allele origin: germline. Affected: yes.
Comment: The c.-150+4 A>T variant has not been published as pathogenic, nor has it been reported as a benign polymorphism to our knowledge. This substitution occurs at a position that is conserved in mammals; however, Threonine is observed at this position in one other species. In silico analysis predicts that c.-150+4 A>T may damage the natural splice donor site in intron 1, leading to abnormal splicing. However, in the absence of RNA/functional studies the actual effect of this variant is unknown. Therefore, based on the currently available information, it is unclear whether this variant is a pathogenic variant or a rare benign variant.

NM_014874.4(MFN2):c.-150+4A>T

Gene: MFN2 (mitofusin 2; plus strand). Cytogenetic location: 1p36.22.
Variant type: single nucleotide variant.
Coding change: c.-150+4A>T on transcript NM_014874.4 (MANE Select); 4 bases into the intron after 150 bases upstream of the start codon, A replaced by T.
Molecular consequence: intron variant.
Genome position (GRCh38, 1-based): chr1:11,980,488, A>T. VCF-style: chr1-11980488-A-T. GRCh37 (hg19) VCF-style: chr1-12040545-A-T.
Other names: c.-5+4A>T (NM_001127660.2).
Identifiers: ClinVar variation 245866 (VCV000245866.2), dbSNP rs879253978, ClinGen allele CA10584095.
Genomic context (GRCh38, chr1:11,980,488, plus strand): 5'-GGCGCTCGCTGGTGACGTAGTGAGTGTGATGGCCGCCGCGAGGCCGGGAAGGTGAAGGTG[A>T]GAGGGCGAGCAAGCCGGGGTGGCGGGGACTGGCCCGGCCCGGCCCGGCGAGTCCTGAGCA-3'